The following is an entry in ClinVar:

NM_018116.4(MSTO1):c.188A>C (p.Tyr63Ser)

Gene: MSTO1 (misato mitochondrial distribution and morphology regulator 1; plus strand). Cytogenetic location: 1q22.
Variant type: single nucleotide variant.
Coding change: c.188A>C on transcript NM_018116.4 (MANE Select); coding-DNA position 188, A replaced by C.
Protein change: p.Tyr63Ser; replaces tyrosine 63 with serine.
Molecular consequence: missense variant. On other transcripts: 5 prime UTR variant (14), non-coding transcript variant (6).
Genome position (GRCh38, 1-based): chr1:155,610,528, A>C. VCF-style: chr1-155610528-A-C. GRCh37 (hg19) VCF-style: chr1-155580319-A-C.
Other names: c.188A>C, p.Tyr63Ser (NM_001256532.1, NM_001256533.1, NM_001350772.1 and 3 more transcripts); c.-100A>C (NM_001350776.1); c.-369A>C (NM_001350777.1, NM_001350779.1); c.-433A>C (NM_001350778.1); c.-485A>C (NM_001350780.1); c.-886A>C (NM_001350781.1); c.-411A>C (NM_001350782.1, NM_001350783.1, NM_001350786.1 and 1 more transcripts); c.-418A>C (NM_001350784.1, NM_001350787.1); and 2 more; short protein forms Y63S.
Identifiers: ClinVar variation 2229212 (VCV002229212.2), dbSNP rs2525401822, ClinGen allele CA342756220.

ClinVar aggregate classification (germline): Uncertain significance (1 of 4 stars; one submission).

Conditions:
Inborn genetic diseases. Identifiers: MedGen C0950123, MeSH D030342.

Submission:

Ambry Genetics
Classification: Uncertain significance for Inborn genetic diseases. Last evaluated: 2021-02-18. Review status: criteria provided, single submitter. Criteria: Ambry Variant Classification Scheme 2023. Collection method: clinical testing. Allele origin: germline.
Comment: The c.188A>C (p.Y63S) alteration is located in exon 2 (coding exon 2) of the MSTO1 gene. This alteration results from an A to C substitution at nucleotide position 188, causing the tyrosine (Y) at amino acid position 63 to be replaced by a serine (S). Based on data from the Genome Aggregation Database (gnomAD), the MSTO1 c.188A>C alteration was not observed. This amino acid position is highly conserved in available vertebrate species. The in silico prediction for the p.Y63S alteration is inconclusive. Based on insufficient or conflicting evidence, the clinical significance of this alteration remains unclear.